The following is an entry in ClinVar:

NM_017491.5(WDR1):c.138C>T (p.Asp46=)

Gene: WDR1 (WD repeat domain 1; minus strand). Cytogenetic location: 4p16.1.
Variant type: single nucleotide variant.
Coding change: c.138C>T on transcript NM_017491.5 (MANE Select); coding-DNA position 138, C replaced by T.
Protein change: p.Asp46=; no amino-acid change (aspartic acid 46 retained).
Molecular consequence: synonymous variant.
Genome position (GRCh38, 1-based): chr4:10,116,113, G>A on the plus strand (C>T on the coding strand, the complement: WDR1 is on the minus strand). VCF-style: chr4-10116113-G-A. GRCh37 (hg19) VCF-style: chr4-10117737-G-A.
Other names: c.138C>T, p.Asp46= (NM_005112.5).
Identifiers: ClinVar variation 1352756 (VCV001352756.7), dbSNP rs746451302, ClinGen allele CA92237930.

ClinVar aggregate classification (germline): Conflicting classifications of pathogenicity. Review status: criteria provided, conflicting classifications (1 of 4 stars). 2 submissions from 2 submitters: Uncertain significance (1); Likely benign (1). Last evaluated 2025-11-03.

Allele frequency attached by ClinVar (database versions not stated): gnomAD 0.00003 and 0.00004; TOPMed 0.00003.

Submissions (2):

Labcorp Genetics (formerly Invitae), Labcorp
Classification: Uncertain significance. Last evaluated: 2025-11-03. Review status: criteria provided, single submitter. Criteria: Invitae Variant Classification Sherloc (09022015). Collection method: clinical testing. Allele origin: germline.
Comment: This sequence change affects codon 46 of the WDR1 mRNA. It is a 'silent' change, meaning that it does not change the encoded amino acid sequence of the WDR1 protein. It affects a nucleotide within the consensus splice site. This variant is present in population databases (rs746451302, gnomAD no frequency). This variant has not been reported in the literature in individuals affected with WDR1-related conditions. ClinVar contains an entry for this variant (Variation ID: 1352756). Algorithms developed to predict the effect of sequence changes on RNA splicing suggest that this variant is not likely to affect RNA splicing. In summary, the available evidence is currently insufficient to determine the role of this variant in disease. Therefore, it has been classified as a Variant of Uncertain Significance.

Blueprint Genetics
Classification: Likely benign. Last evaluated: 2024-09-19. Review status: criteria provided, single submitter. Criteria: ACMG Guidelines, 2015. Collection method: clinical testing. Allele origin: germline.